The following is an entry in ClinVar:

NM_000179.3(MSH6):c.3680T>G (p.Ile1227Arg)

Gene: MSH6 (mutS homolog 6; plus strand). Cytogenetic location: 2p16.3.
Variant type: single nucleotide variant.
Coding change: c.3680T>G on transcript NM_000179.3 (MANE Select); coding-DNA position 3680, T replaced by G.
Protein change: p.Ile1227Arg; replaces isoleucine 1227 with arginine.
Molecular consequence: missense variant.
Genome position (GRCh38, 1-based): chr2:47,806,237, T>G. VCF-style: chr2-47806237-T-G. GRCh37 (hg19) VCF-style: chr2-48033376-T-G.
Other names: c.3290T>G, p.Ile1097Arg (NM_001281492.2); c.2774T>G, p.Ile925Arg (NM_001281493.2, NM_001281494.2); short protein forms I1227R, I925R, I1097R.
Identifiers: ClinVar variation 1402938 (VCV001402938.8), dbSNP rs2104538496, ClinGen allele CA346760902.

ClinVar aggregate classification (germline): Uncertain significance (1 of 4 stars; one submission).

Conditions:
Hereditary nonpolyposis colorectal neoplasms. Identifiers: MedGen C0009405, MeSH D003123.

Submission:

Labcorp Genetics (formerly Invitae), Labcorp
Classification: Uncertain significance for Hereditary nonpolyposis colorectal neoplasms. Last evaluated: 2021-01-10. Review status: criteria provided, single submitter. Criteria: Invitae Variant Classification Sherloc (09022015). Collection method: clinical testing. Allele origin: germline.
Comment: In summary, the available evidence is currently insufficient to determine the role of this variant in disease. Therefore, it has been classified as a Variant of Uncertain Significance. Advanced modeling of protein sequence and biophysical properties (such as structural, functional, and spatial information, amino acid conservation, physicochemical variation, residue mobility, and thermodynamic stability) performed at Invitae indicates that this missense variant is expected to disrupt MSH6 protein function. This variant has not been reported in the literature in individuals with MSH6-related conditions. This variant is not present in population databases (ExAC no frequency). This sequence change replaces isoleucine with arginine at codon 1227 of the MSH6 protein (p.Ile1227Arg). The isoleucine residue is highly conserved and there is a moderate physicochemical difference between isoleucine and arginine.